The following is an entry in ClinVar:

NM_000094.4(COL7A1):c.8305-3T>C

Gene: COL7A1 (collagen type VII alpha 1 chain; minus strand). Cytogenetic location: 3p21.31.
Variant type: single nucleotide variant.
Coding change: c.8305-3T>C on transcript NM_000094.4 (MANE Select); 3 bases into the intron before coding-DNA position 8305, T replaced by C.
Molecular consequence: intron variant.
Genome position (GRCh38, 1-based): chr3:48,566,566, A>G on the plus strand (T>C on the coding strand, the complement: COL7A1 is on the minus strand). VCF-style: chr3-48566566-A-G. GRCh37 (hg19) VCF-style: chr3-48603999-A-G.
Identifiers: ClinVar variation 1909918 (VCV001909918.2), dbSNP rs752339003, ClinGen allele CA2378075.

ClinVar aggregate classification (germline): Uncertain significance (1 of 4 stars; one submission).

Allele frequency attached by ClinVar (database versions not stated): ExAC 0.00002.
gnomAD v4.1: 7 of 1,613,988 alleles (0.00043%); highest among the groups gnomAD compares: South Asian, 0.0011%; no homozygotes.

Submission:

Labcorp Genetics (formerly Invitae), Labcorp
Classification: Uncertain significance. Last evaluated: 2021-10-30. Review status: criteria provided, single submitter. Criteria: Invitae Variant Classification Sherloc (09022015). Collection method: clinical testing. Allele origin: germline.
Comment: This sequence change falls in intron 111 of the COL7A1 gene. It does not directly change the encoded amino acid sequence of the COL7A1 protein. It affects a nucleotide within the consensus splice site. This variant is present in population databases (rs752339003, gnomAD 0.003%). This variant has not been reported in the literature in individuals affected with COL7A1-related conditions. Variants that disrupt the consensus splice site are a relatively common cause of aberrant splicing (PMID: 17576681, 9536098). Algorithms developed to predict the effect of sequence changes on RNA splicing suggest that this variant is not likely to affect RNA splicing. In summary, the available evidence is currently insufficient to determine the role of this variant in disease. Therefore, it has been classified as a Variant of Uncertain Significance.

Literature cited by the submitters: PubMed 17576681; PubMed 9536098.